The following is an entry in ClinVar:

Conditions:
Breast-ovarian cancer, familial, susceptibility to, 1 (BROVCA1). Also called: BRCA1 Hereditary Breast and Ovarian Cancer; OVARIAN CANCER, SUSCEPTIBILITY TO. Identifiers: Orphanet 145, MedGen C2676676, MONDO:0011450, OMIM 604370. Disease mechanism: loss of function.

Submission:

Brotman Baty Institute, University of Washington
No classification provided (evidence only). Condition: Breast-ovarian cancer, familial 1. Review status: no classification provided. Collection method: in vitro. Allele origin: not applicable. Functional consequence: functionally_abnormal.
ClinVar note: "not provided" was previously submitted as the classification for the variant. However, the classification appeared to be based only on an observation of functional data so it was converted to no classification on 2025-07-30.

NM_007294.4(BRCA1):c.212+2T>G

Gene: BRCA1 (BRCA1 DNA repair associated; minus strand). Cytogenetic location: 17q21.31.
Variant type: single nucleotide variant.
Coding change: c.212+2T>G on transcript NM_007294.4 (MANE Select); the canonical splice donor site of the intron after coding-DNA position 212, T replaced by G.
Molecular consequence: splice donor variant. On other transcripts: intron variant (95).
Genome position (GRCh38, 1-based): chr17:43,106,454, A>C on the plus strand (T>G on the coding strand, the complement: BRCA1 is on the minus strand). VCF-style: chr17-43106454-A-C. GRCh37 (hg19) VCF-style: chr17-41258471-A-C.
Other names: c.212+2T>G (NM_001407969.1, NM_001407968.1, NM_001407640.1 and 167 more transcripts); c.2+24T>G (NM_001408492.1, NM_001407889.1, NM_001408513.1 and 58 more transcripts); c.71+2T>G (NM_001408468.1, NM_001407842.1, NM_001407749.1 and 99 more transcripts); c.-218-11594T>G (NM_001407966.1, NM_001407967.1); c.-169-1498T>G (NM_001407963.1, NM_001407960.1, NM_001407965.1 and 4 more transcripts); c.135-1498T>G (NM_001408413.1, NM_001407660.1, NM_001407661.1 and 21 more transcripts); c.81-1498T>G (NM_001408451.1).
Identifiers: ClinVar variation 867952 (VCV000867952.3), dbSNP rs80358026, ClinGen allele CA10601743.
Genomic context (GRCh38, chr17:43,106,454, plus strand): 5'-ATAATTTCTACTTTTTCCTACTGTGGTTGCTTCCAACCTAGCATCATTACCAAATTATAT[A>C]CCTTTTGGTTATATCATTCTTACATAAAGGACACTGTGAAGGCCCTTTCTTCTGGTTGAG-3'